The following is an entry in ClinVar:

NM_001318789.2(TLR2):c.271A>G (p.Ile91Val)

Gene: TLR2 (toll like receptor 2; plus strand). Cytogenetic location: 4q31.3.
Variant type: single nucleotide variant.
Coding change: c.271A>G on transcript NM_001318789.2 (MANE Select); coding-DNA position 271, A replaced by G.
Protein change: p.Ile91Val; replaces isoleucine 91 with valine.
Molecular consequence: missense variant.
Genome position (GRCh38, 1-based): chr4:153,703,178, A>G. VCF-style: chr4-153703178-A-G. GRCh37 (hg19) VCF-style: chr4-154624330-A-G.
Other names: c.271A>G, p.Ile91Val (NM_001318787.2, NM_001318790.2, NM_001318791.2 and 4 more transcripts); short protein forms I91V.
Identifiers: ClinVar variation 716824 (VCV000716824.7), dbSNP rs116232047, ClinGen allele CA3110698.

ClinVar aggregate classification (germline): Conflicting classifications of pathogenicity. Review status: criteria provided, conflicting classifications (1 of 4 stars). 3 submissions from 3 submitters: Uncertain significance (1); Likely benign (1). 1 of the submissions does not count toward it. Last evaluated 2018-05-31.

Conditions:
TLR2-related disorder. Also called: TLR2-related condition.
Colorectal cancer. Also called: Malignant Colorectal Neoplasm; Colorectal cancer, somatic. Identifiers: MedGen C0346629, MONDO:0005575, OMIM 114500.
Leprosy, susceptibility to, 3. Identifiers: Orphanet 548, MedGen C1968668, MONDO:0009518, OMIM 246300.
Mycobacterium tuberculosis, susceptibility to. Identifiers: MedGen C1834752, OMIM 607948.

Allele frequency attached by ClinVar (database versions not stated): gnomAD exomes 0.00015 and 0.00038; ExAC 0.00041; gnomAD 0.00137 and 0.00149; ESP Exome Variant Server 0.00146; TOPMed 0.00151; 1000 Genomes Project 0.00160; 1000 Genomes Project 30x 0.00187.
gnomAD v4.1: 445 of 1,614,168 alleles (0.028%); highest among the groups gnomAD compares: African/African-American, 0.52%; 2 homozygotes.

Submissions (3):

Labcorp Genetics (formerly Invitae), Labcorp
Classification: Likely benign. Last evaluated: 2018-05-31. Review status: criteria provided, single submitter. Criteria: Invitae Variant Classification Sherloc (09022015). Collection method: clinical testing. Allele origin: germline.

Center for Genomics, Ann and Robert H. Lurie Children's Hospital of Chicago
Classification: Uncertain significance for Colorectal cancer; Leprosy, susceptibility to, 3; Mycobacterium tuberculosis, susceptibility to. Review status: criteria provided, single submitter. Criteria: ACMG Guidelines, 2015. Collection method: clinical testing. Allele origin: germline.
Comment: This variant has not been reported in the literature but is present in the Genome Aggregation Database (Highest reported MAF 0.4% (199/41436) including 1 homozygote. This variant is present in ClinVar (Variation ID:716824). This variant amino acid Valine (Val) is present in several species including multiple mammals; this suggests that this variant may not impact the protein. Additional computational prediction tools do not suggest an impact. In summary, data on this variant is insufficient for disease classification. Therefore, the clinical significance of this variant is uncertain.

PreventionGenetics, part of Exact Sciences
Classification: Benign for TLR2-related condition. Last evaluated: 2019-10-28. Review status: no assertion criteria provided. Collection method: clinical testing. Allele origin: germline. Not counted in ClinVar's aggregate classification.
Comment: This variant is classified as benign based on ACMG/AMP sequence variant interpretation guidelines (Richards et al. 2015 PMID: 25741868, with internal and published modifications).